The following is an entry in ClinVar:

ClinVar aggregate classification (germline): Pathogenic (1 of 4 stars; one submission).

Conditions:
46,XY sex reversal 7. Also called: GONADAL DYSGENESIS, XY, MALE-LIMITED; DHH-Related 46,XY complete gonadal dysgenesis; 46,XY GONADAL DYSGENESIS, PARTIAL OR COMPLETE, DHH-RELATED; 46,XY SEX REVERSAL, PARTIAL OR COMPLETE, DHH-RELATED. Identifiers: Orphanet 242, MedGen C1856273, MONDO:0009301, OMIM 233420.

Submission:

Human Genetics Laboratory, Faculty of Medicine of Tunis
Classification: Pathogenic for 46,XY sex reversal 7. Review status: criteria provided, single submitter. Criteria: ACMG Guidelines, 2015. Collection method: research. Allele origin: unknown. Inheritance: Autosomal recessive inheritance. Affected: yes. Observed: 1 compound heterozygote.
Comment: This variation is not listed in gnomAD browser database or the Human Gene Mutations Database (HGMD) or 1000 genomes project which likely reflects a novel mutation. It lies in the auto-catalytically processed and secreted DHh-N. It gives rise to a premature stop codon instead of tyrosine residue at amino acid position 176, leading to a truncated protein missing the last 23 amino acids of DHh-N as well as the entire DHh-C containing the determinants required for auto-processing of the precursor as well as all the essential residues fundamental for addition of a cholesterol moiety to the signaling peptide DHh-N. The second mutation showed abolished auto-catalytic processing in vitro. Thus, the p.Tyr176* variant meets our criteria to be classified as autosomal recessive pathogenic.

Literature cited by the submitters: PubMed 30298535.

NM_021044.4(DHH):c.528C>A (p.Tyr176Ter)

Gene: DHH (desert hedgehog signaling molecule; minus strand). Cytogenetic location: 12q13.12.
Variant type: single nucleotide variant.
Coding change: c.528C>A on transcript NM_021044.4 (MANE Select); coding-DNA position 528, C replaced by A.
Protein change: p.Tyr176Ter; replaces tyrosine 176 with a stop codon.
Molecular consequence: nonsense.
Genome position (GRCh38, 1-based): chr12:49,091,165, G>T on the plus strand (C>A on the coding strand, the complement: DHH is on the minus strand). VCF-style: chr12-49091165-G-T. GRCh37 (hg19) VCF-style: chr12-49484948-G-T.
Other names: short protein forms Y176*.
Identifiers: ClinVar variation 561187 (VCV000561187.2), dbSNP rs1565573786, ClinGen allele CA384721242.